The following is an entry in ClinVar:

ClinVar aggregate classification (germline): Likely pathogenic (1 of 4 stars; one submission).

Conditions:
Fanconi anemia (FA). Also called: Fanconi's anemia. Identifiers: Orphanet 84, MedGen C0015625, MeSH D005199, MONDO:0019391.

Submission:

Labcorp Genetics (formerly Invitae), Labcorp
Classification: Likely pathogenic for Fanconi anemia. Last evaluated: 2023-07-28. Review status: criteria provided, single submitter. Criteria: Invitae Variant Classification Sherloc (09022015). Collection method: clinical testing. Allele origin: germline.
Comment: In summary, the currently available evidence indicates that the variant is pathogenic, but additional data are needed to prove that conclusively. Therefore, this variant has been classified as Likely Pathogenic. Algorithms developed to predict the effect of sequence changes on RNA splicing suggest that this variant may disrupt the consensus splice site. This variant has not been reported in the literature in individuals affected with FANCA-related conditions. This variant is not present in population databases (gnomAD no frequency). This sequence change affects a donor splice site in intron 36 of the FANCA gene. It is expected to disrupt RNA splicing. Variants that disrupt the donor or acceptor splice site typically lead to a loss of protein function (PMID: 16199547), and loss-of-function variants in FANCA are known to be pathogenic (PMID: 19367192).

Literature cited by the submitters: PubMed 16199547; PubMed 19367192.

NM_000135.4(FANCA):c.3626+2T>G

Gene: FANCA (FA complementation group A; minus strand). Cytogenetic location: 16q24.3.
Variant type: single nucleotide variant.
Coding change: c.3626+2T>G on transcript NM_000135.4 (MANE Select); the canonical splice donor site of the intron after coding-DNA position 3626, T replaced by G.
Molecular consequence: splice donor variant.
Genome position (GRCh38, 1-based): chr16:89,744,957, A>C on the plus strand (T>G on the coding strand, the complement: FANCA is on the minus strand). VCF-style: chr16-89744957-A-C. GRCh37 (hg19) VCF-style: chr16-89811365-A-C.
Other names: c.3626+2T>G (NM_001286167.3).
Identifiers: ClinVar variation 3014573 (VCV003014573.3), dbSNP rs2544113550, ClinGen allele CA397485563.